The following is an entry in ClinVar:

NM_001853.4(COL9A3):c.1837G>A (p.Gly613Arg)

Gene: COL9A3 (collagen type IX alpha 3 chain; plus strand). Cytogenetic location: 20q13.33.
Variant type: single nucleotide variant.
Coding change: c.1837G>A on transcript NM_001853.4 (MANE Select); coding-DNA position 1837, G replaced by A.
Protein change: p.Gly613Arg; replaces glycine 613 with arginine.
Molecular consequence: missense variant.
Genome position (GRCh38, 1-based): chr20:62,838,734, G>A. VCF-style: chr20-62838734-G-A. GRCh37 (hg19) VCF-style: chr20-61470086-G-A.
Other names: c.1837G>A, p.Gly613Arg (LRG_1253t1); short protein forms G613R.
Identifiers: ClinVar variation 429769 (VCV000429769.7), dbSNP rs1131691582, ClinGen allele CA409600173.
Genomic context (GRCh38, chr20:62,838,734, plus strand): 5'-CTCGTGACAGGAAACCAGGGTGACAGAGGAGACAAAGGCGCGGCAGGAGCAGGGCTGGAC[G>A]GGCCTGAAGGAGACCAGGGGCCCCAAGGTACGAGTCCACGGCCAGCAAGGCTTCACTGGG-3'
Protein context (NP_001844.3, residues 603-623): DKGAAGAGLD[Gly613Arg]PEGDQGPQGP

ClinVar aggregate classification (germline): Uncertain significance. Review status: criteria provided, multiple submitters, no conflicts (2 of 4 stars). 2 submissions from 2 submitters: Uncertain significance (2). Last evaluated 2025-08-25.

Allele frequency attached by ClinVar (database versions not stated): gnomAD 0.00001; gnomAD exomes 0.00001; TOPMed 0.00001.
gnomAD v4.1: 17 of 1,552,128 alleles (0.0011%); highest among the groups gnomAD compares: South Asian, 0.0036%; no homozygotes.

Submissions (2):

Labcorp Genetics (formerly Invitae), Labcorp
Classification: Uncertain significance. Last evaluated: 2025-08-25. Review status: criteria provided, single submitter. Criteria: Invitae Variant Classification Sherloc (09022015). Collection method: clinical testing. Allele origin: germline.
Comment: This sequence change replaces glycine, which is neutral and non-polar, with arginine, which is basic and polar, at codon 613 of the COL9A3 protein (p.Gly613Arg). The frequency data for this variant in the population databases is considered unreliable, as metrics indicate poor data quality at this position in the gnomAD database. This variant has not been reported in the literature in individuals affected with COL9A3-related conditions. ClinVar contains an entry for this variant (Variation ID: 429769). Invitae Evidence Modeling of protein sequence and biophysical properties (such as structural, functional, and spatial information, amino acid conservation, physicochemical variation, residue mobility, and thermodynamic stability) indicates that this missense variant is expected to disrupt COL9A3 protein function with a positive predictive value of 95%. In summary, the available evidence is currently insufficient to determine the role of this variant in disease. Therefore, it has been classified as a Variant of Uncertain Significance.

GeneDx
Classification: Uncertain significance. Last evaluated: 2021-04-08. Review status: criteria provided, single submitter. Criteria: GeneDx Variant Classification Process June 2021. Collection method: clinical testing. Allele origin: germline. Affected: yes.
Comment: Has not been previously published as pathogenic or benign to our knowledge; Identified independently and in conjunction with additional variants in individuals referred for connective tissue disorder genetic testing at GeneDx; segregation data is limited at this time; In silico analysis, which includes protein predictors and evolutionary conservation, supports a deleterious effect